The following is an entry in ClinVar:

ClinVar aggregate classification (germline): Likely pathogenic (1 of 4 stars; one submission).

Submission:

GeneDx
Classification: Likely pathogenic. Last evaluated: 2026-09-01. Review status: criteria provided, single submitter. Criteria: GeneDx Variant Classification Process June 2021. Collection method: clinical testing. Allele origin: germline.
Comment: Not observed at significant frequency in large population cohorts (gnomAD); In silico analysis supports that this missense variant has a deleterious effect on protein structure/function; This substitution is predicted to be within the cytoplasmic loop between the third and fourth homologous domains; This variant is associated with the following publications: (PMID: 29655203, 41153369)

NM_001165963.4(SCN1A):c.4438G>T (p.Gly1480Cys)

Genes: SCN1A (sodium voltage-gated channel alpha subunit 1; minus strand), LOC102724058 (uncharacterized LOC102724058; plus strand). Cytogenetic location: 2q24.3.
Variant type: single nucleotide variant.
Coding change: c.4438G>T on transcript NM_001165963.4 (MANE Select); coding-DNA position 4438, G replaced by T.
Protein change: p.Gly1480Cys; replaces glycine 1480 with cysteine.
Molecular consequence: missense variant. On other transcripts: non-coding transcript variant (1).
Genome position (GRCh38, 1-based): chr2:165,998,076, C>A on the plus strand (G>T on the coding strand, the complement: SCN1A is on the minus strand). VCF-style: chr2-165998076-C-A. GRCh37 (hg19) VCF-style: chr2-166854586-C-A.
Other names: p.G1480C:GGT>TGT; c.4354G>T, p.Gly1452Cys (NM_001165964.3, NM_001353957.2, NM_001353958.2); c.4438G>T, p.Gly1480Cys (NM_001202435.3, NM_001353948.2); c.4405G>T, p.Gly1469Cys (NM_001353949.2, NM_001353950.2, NM_001353951.2 and 2 more transcripts); c.4402G>T, p.Gly1468Cys (NM_001353954.2, NM_001353955.2); c.4351G>T, p.Gly1451Cys (NM_001353960.2); c.1996G>T, p.Gly666Cys (NM_001353961.2); short protein forms G1469C, G1480C, G1452C, G666C, G1451C, G1468C.
Identifiers: ClinVar variation 206830 (VCV000206830.3), dbSNP rs796053015, ClinGen allele CA317468.